The following is an entry in ClinVar:

NM_003107.3(SOX4):c.1213C>T (p.Leu405=)

Gene: SOX4 (SRY-box transcription factor 4; plus strand). Cytogenetic location: 6p22.3.
Variant type: single nucleotide variant.
Coding change: c.1213C>T on transcript NM_003107.3 (MANE Select); coding-DNA position 1213, C replaced by T.
Protein change: p.Leu405=; no amino-acid change (leucine 405 retained).
Molecular consequence: synonymous variant.
Genome position (GRCh38, 1-based): chr6:21,595,747, C>T. VCF-style: chr6-21595747-C-T. GRCh37 (hg19) VCF-style: chr6-21595978-C-T.
Identifiers: ClinVar variation 2656283 (VCV002656283.24), dbSNP rs1333040543, ClinGen allele CA448962562.

ClinVar aggregate classification (germline): Likely benign (1 of 4 stars; one submission).

Allele frequency attached by ClinVar (database versions not stated): gnomAD 0.00001; TOPMed 0.00001; gnomAD exomes 0.00003.

Submission:

CeGaT Center for Human Genetics Tuebingen
Classification: Likely benign. Last evaluated: 2023-09-01. Review status: criteria provided, single submitter. Criteria: CeGaT Center For Human Genetics Tuebingen Variant Classification Criteria Version 2. Collection method: clinical testing. Allele origin: germline. Affected: yes. Observed: 1 variant allele.
Comment: SOX4: BP4, BP7